The following is an entry in ClinVar:

ClinVar aggregate classification (germline): Uncertain significance. Review status: criteria provided, multiple submitters, no conflicts (2 of 4 stars). 2 submissions from 2 submitters: Uncertain significance (2). Last evaluated 2025-02-05.

Conditions:
Lethal congenital glycogen storage disease of heart. Also called: PHOSPHORYLASE KINASE DEFICIENCY OF HEART; GLYCOGEN STORAGE DISEASE OF HEART. Identifiers: Orphanet 439854, MedGen C1849813, MONDO:0009867, OMIM 261740.
Hypertrophic cardiomyopathy. Also called: HYPERTROPHIC MYOCARDIOPATHY. Identifiers: Orphanet 217569, MedGen C0007194, MeSH D002312, MONDO:0005045, HP:0001639.

Allele frequency attached by ClinVar (database versions not stated): gnomAD exomes below 0.00001; ExAC 0.00001.
gnomAD v4.1: 1 of 1,614,080 alleles (0.000062%); highest among the groups gnomAD compares: South Asian, 0.0011%; no homozygotes.

Submissions (2):

Labcorp Genetics (formerly Invitae), Labcorp
Classification: Uncertain significance for Lethal congenital glycogen storage disease of heart. Last evaluated: 2025-02-05. Review status: criteria provided, single submitter. Criteria: Invitae Variant Classification Sherloc (09022015). Collection method: clinical testing. Allele origin: germline.
Comment: This sequence change replaces serine, which is neutral and polar, with asparagine, which is neutral and polar, at codon 122 of the PRKAG2 protein (p.Ser122Asn). This variant is present in population databases (rs771861941, gnomAD 0.003%). This variant has not been reported in the literature in individuals affected with PRKAG2-related conditions. ClinVar contains an entry for this variant (Variation ID: 3070350). Invitae Evidence Modeling of protein sequence and biophysical properties (such as structural, functional, and spatial information, amino acid conservation, physicochemical variation, residue mobility, and thermodynamic stability) indicates that this missense variant is not expected to disrupt PRKAG2 protein function with a negative predictive value of 95%. In summary, the available evidence is currently insufficient to determine the role of this variant in disease. Therefore, it has been classified as a Variant of Uncertain Significance.

All of Us Research Program, National Institutes of Health
Classification: Uncertain significance for Hypertrophic cardiomyopathy. Last evaluated: 2023-04-10. Review status: criteria provided, single submitter. Criteria: ACMG Guidelines, 2015. Collection method: clinical testing. Allele origin: germline. Inheritance: Autosomal dominant inheritance. Observed: 1 variant allele, 1 heterozygote.
Comment: This missense variant replaces serine with asparagine at codon 122 of the PRKAG2 protein. Computational prediction suggests that this variant may not impact protein structure and function (internally defined REVEL score threshold <= 0.5, PMID: 27666373). To our knowledge, functional studies have not been reported for this variant. This variant has not been reported in individuals affected with PRKAG2-related disorders in the literature. This variant has been identified in 1/251256 chromosomes in the general population by the Genome Aggregation Database (gnomAD). The available evidence is insufficient to determine the role of this variant in disease conclusively. Therefore, this variant is classified as a Variant of Uncertain Significance.

This study involves interpretation of variants in research participants for the purpose of population health screening. Participant phenotype was not available at the time of variant classification. Additional details can be found in publication PMID: 35346344, PMCID: PMC8962531

NM_016203.4(PRKAG2):c.365G>A (p.Ser122Asn)

Gene: PRKAG2 (protein kinase AMP-activated non-catalytic subunit gamma 2; minus strand). Cytogenetic location: 7q36.1.
Variant type: single nucleotide variant.
Coding change: c.365G>A on transcript NM_016203.4 (MANE Select); coding-DNA position 365, G replaced by A.
Protein change: p.Ser122Asn; replaces serine 122 with asparagine.
Molecular consequence: missense variant. On other transcripts: intron variant (1).
Genome position (GRCh38, 1-based): chr7:151,781,253, C>T on the plus strand (G>A on the coding strand, the complement: PRKAG2 is on the minus strand). VCF-style: chr7-151781253-C-T. GRCh37 (hg19) VCF-style: chr7-151478339-C-T.
Other names: c.233G>A, p.Ser78Asn (NM_001040633.2, NM_001407024.1, NM_001407026.1 and 2 more transcripts); c.365G>A, p.Ser122Asn (NM_001407021.1, NM_001407022.1, NM_001407023.1 and 2 more transcripts); c.148+33163G>A (NM_001407032.1); short protein forms S122N, S78N.
Identifiers: ClinVar variation 3070350 (VCV003070350.3), dbSNP rs771861941, ClinGen allele CA056936.